The following is an entry in ClinVar:

NM_001999.4(FBN2):c.3491G>A (p.Arg1164His)

Gene: FBN2 (fibrillin 2; minus strand). Cytogenetic location: 5q23.3.
Variant type: single nucleotide variant.
Coding change: c.3491G>A on transcript NM_001999.4 (MANE Select); coding-DNA position 3491, G replaced by A.
Protein change: p.Arg1164His; replaces arginine 1164 with histidine.
Molecular consequence: missense variant.
Genome position (GRCh38, 1-based): chr5:128,338,104, C>T on the plus strand (G>A on the coding strand, the complement: FBN2 is on the minus strand). VCF-style: chr5-128338104-C-T. GRCh37 (hg19) VCF-style: chr5-127673796-C-T.
Other names: short protein forms R1164H.
Identifiers: ClinVar variation 643797 (VCV000643797.14), dbSNP rs1297011367, ClinGen allele CA360759539.
Genomic context (GRCh38, chr5:128,338,104, plus strand): 5'-TCACACTGAAAGCTGCCCTCAGTGTTCACACAGGTGCCACCCCTACAAAGGAGAGGGTTA[C>T]GTTCACATTCGTCAATGTCTGAAAGGTAAAAACGTGAGATCCATTAAAGAACTCTGAGGG-3'
Protein context (NP_001990.2, residues 1154-1174): KNCMDIDECE[Arg1164His]NPLLCRGGTC

ClinVar aggregate classification (germline): Conflicting classifications of pathogenicity. Review status: criteria provided, conflicting classifications (1 of 4 stars). 4 submissions from 4 submitters: Uncertain significance (1); Benign (1); Likely benign (2). Last evaluated 2026-09-10.

Conditions:
Congenital contractural arachnodactyly (CCA). Also called: BEALS SYNDROME; Beals-Hecht syndrome; Arthrogryposis, distal, type 9. Identifiers: Orphanet 115, MedGen C0220668, MONDO:0007363, OMIM 121050.

Allele frequency attached by ClinVar (database versions not stated): gnomAD exomes below 0.00001; TOPMed 0.00002.
gnomAD v4.1: 30 of 1,613,874 alleles (0.0019%); highest among the groups gnomAD compares: East Asian, 0.0022%; no homozygotes.

Submissions (4):

GeneDx
Classification: Uncertain significance. Last evaluated: 2026-09-10. Review status: criteria provided, single submitter. Criteria: GeneDx Variant Classification Process June 2021. Collection method: clinical testing. Allele origin: germline.
Comment: Identified in an individual with suspected inborn error of immunity in published literature (PMID: 35753512); Not observed at significant frequency in large population cohorts (gnomAD); Although located in a calcium-binding EGF-like domain of the FBN2 gene, it does not substitute or introduce a cysteine residue (PMID: 19006240, 18767143); In silico analysis supports that this missense variant has a deleterious effect on protein structure/function; This variant is associated with the following publications: (PMID: 19006240, 18767143, 35753512)

Labcorp Genetics (formerly Invitae), Labcorp
Classification: Benign for Congenital contractural arachnodactyly. Last evaluated: 2025-07-23. Review status: criteria provided, single submitter. Criteria: Invitae Variant Classification Sherloc (09022015). Collection method: clinical testing. Allele origin: germline.

Women's Health and Genetics/Laboratory Corporation of America, LabCorp
Classification: Likely benign. Last evaluated: 2025-01-17. Review status: criteria provided, single submitter. Criteria: LabCorp Variant Classification Summary - May 2015. Collection method: clinical testing. Allele origin: germline.
Comment: Variant summary: FBN2 c.3491G>A (p.Arg1164His) results in a non-conservative amino acid change located in the EGF-like domain (IPR000742) of the encoded protein sequence. Four of five in-silico tools predict a damaging effect of the variant on protein function. The variant allele was found at a frequency of 1.9e-05 in 1613874 control chromosomes. The observed variant frequency is approximately 15-fold of the estimated maximal expected allele frequency for a pathogenic variant in FBN2 causing Aortopathy phenotype (1.3e-06). c.3491G>A has been reported in the literature as a VUS in an individual undergoing exome sequencing for a suspected inborn error of immunity who was described as having aortic aneurysm amongst multiple other non-cardiac-related clinical features (Similuk_2022). This report does not provide unequivocal conclusions about association of the variant with Aortopathy. To our knowledge, no experimental evidence demonstrating an impact on protein function has been reported. The following publication has been ascertained in the context of this evaluation (PMID: 35753512). ClinVar contains an entry for this variant (Variation ID: 643797). Based on the evidence outlined above, the variant was classified as likely benign.

Blueprint Genetics
Classification: Likely benign. Last evaluated: 2024-09-10. Review status: criteria provided, single submitter. Criteria: ACMG Guidelines, 2015. Collection method: clinical testing. Allele origin: germline.

Literature cited by the submitters: PubMed 35753512 (cited by Women's Health and Genetics/Laboratory Corporation of America, LabCorp).